The following is an entry in ClinVar:

NM_001127198.5(TMC6):c.1106G>C (p.Ser369Thr)

Gene: TMC6 (transmembrane channel like 6; minus strand). Cytogenetic location: 17q25.3.
Variant type: single nucleotide variant.
Coding change: c.1106G>C on transcript NM_001127198.5 (MANE Select); coding-DNA position 1106, G replaced by C.
Protein change: p.Ser369Thr; replaces serine 369 with threonine.
Molecular consequence: missense variant.
Genome position (GRCh38, 1-based): chr17:78,122,726, C>G on the plus strand (G>C on the coding strand, the complement: TMC6 is on the minus strand). VCF-style: chr17-78122726-C-G. GRCh37 (hg19) VCF-style: chr17-76118807-C-G.
Other names: c.1106G>C, p.Ser369Thr (NM_001321185.1, NM_001374593.1, NM_001374594.1 and 4 more transcripts); short protein forms S369T.
Identifiers: ClinVar variation 1041367 (VCV001041367.7), dbSNP rs2074478599, ClinGen allele CA401231088.

ClinVar aggregate classification (germline): Uncertain significance (1 of 4 stars; one submission).

Conditions:
Epidermodysplasia verruciformis. Identifiers: Orphanet 302, MedGen C0014522, MONDO:0009176.

Submission:

Labcorp Genetics (formerly Invitae), Labcorp
Classification: Uncertain significance for Epidermodysplasia verruciformis. Last evaluated: 2020-02-20. Review status: criteria provided, single submitter. Criteria: Invitae Variant Classification Sherloc (09022015). Collection method: clinical testing. Allele origin: germline.
Comment: Algorithms developed to predict the effect of missense changes on protein structure and function are either unavailable or do not agree on the potential impact of this missense change (SIFT: "Not Available"; PolyPhen-2: "Probably Damaging"; Align-GVGD: "Not Available"). In summary, the available evidence is currently insufficient to determine the role of this variant in disease. Therefore, it has been classified as a Variant of Uncertain Significance. This variant has not been reported in the literature in individuals with TMC6-related conditions. This variant is not present in population databases (ExAC no frequency). This sequence change replaces serine with threonine at codon 369 of the TMC6 protein (p.Ser369Thr). The serine residue is highly conserved and there is a small physicochemical difference between serine and threonine.